The following is an entry in ClinVar:

NM_052844.4(DYNC2I2):c.428A>C (p.Gln143Pro)

Gene: DYNC2I2 (dynein 2 intermediate chain 2; minus strand). Cytogenetic location: 9q34.11.
Variant type: single nucleotide variant.
Coding change: c.428A>C on transcript NM_052844.4 (MANE Select); coding-DNA position 428, A replaced by C.
Protein change: p.Gln143Pro; replaces glutamine 143 with proline.
Molecular consequence: missense variant.
Genome position (GRCh38, 1-based): chr9:128,640,698, T>G on the plus strand (A>C on the coding strand, the complement: DYNC2I2 is on the minus strand). VCF-style: chr9-128640698-T-G. GRCh37 (hg19) VCF-style: chr9-131402977-T-G.
Other names: c.428A>C (NM_052844.3); short protein forms Q143P.
Identifiers: ClinVar variation 2164127 (VCV002164127.6), dbSNP rs572436409, ClinGen allele CA5266632.

ClinVar aggregate classification (germline): Uncertain significance. Review status: criteria provided, multiple submitters, no conflicts (2 of 4 stars). 2 submissions from 2 submitters: Uncertain significance (2). Last evaluated 2023-02-27.

Conditions:
Inborn genetic diseases. Identifiers: MedGen C0950123, MeSH D030342.
Short-rib thoracic dysplasia 11 with or without polydactyly (SRTD11). Also called: SHORT-RIB THORACIC DYSPLASIA 11 WITHOUT POLYDACTYLY. Identifiers: Orphanet 474, Orphanet 93271, MedGen C3810200, MONDO:0014287, OMIM 615633.

Allele frequency attached by ClinVar (database versions not stated): gnomAD 0.00001; gnomAD exomes 0.00001; ExAC 0.00003; 1000 Genomes Project 30x 0.00016; 1000 Genomes Project 0.00020.
gnomAD v4.1: 15 of 1,613,888 alleles (0.00093%); highest among the groups gnomAD compares: East Asian, 0.029%; no homozygotes.

Submissions (2):

Ambry Genetics
Classification: Uncertain significance for Inborn genetic diseases. Last evaluated: 2023-02-27. Review status: criteria provided, single submitter. Criteria: Ambry Variant Classification Scheme 2023. Collection method: clinical testing. Allele origin: germline.

Labcorp Genetics (formerly Invitae), Labcorp
Classification: Uncertain significance for Short-rib thoracic dysplasia 11 with or without polydactyly. Last evaluated: 2022-08-07. Review status: criteria provided, single submitter. Criteria: Invitae Variant Classification Sherloc (09022015). Collection method: clinical testing. Allele origin: germline.
Comment: In summary, the available evidence is currently insufficient to determine the role of this variant in disease. Therefore, it has been classified as a Variant of Uncertain Significance. Algorithms developed to predict the effect of missense changes on protein structure and function (SIFT, PolyPhen-2, Align-GVGD) all suggest that this variant is likely to be tolerated. This variant has not been reported in the literature in individuals affected with WDR34-related conditions. This variant is present in population databases (rs572436409, gnomAD 0.06%). This sequence change replaces glutamine, which is neutral and polar, with proline, which is neutral and non-polar, at codon 143 of the WDR34 protein (p.Gln143Pro).